The following is an entry in ClinVar:

ClinVar aggregate classification (germline): Uncertain significance (1 of 4 stars; one submission).

Conditions:
Deficiency of acetyl-CoA acetyltransferase. Also called: MITOCHONDRIAL ACETOACETYL-CoA THIOLASE DEFICIENCY; Beta-ketothiolase deficiency; 3-KETOTHIOLASE DEFICIENCY; 3-OXOTHIOLASE DEFICIENCY. Identifiers: Orphanet 134, MedGen C1536500, MONDO:0008760, OMIM 203750. Disease mechanism: loss of function.

Allele frequency attached by ClinVar (database versions not stated): TOPMed below 0.00001.

Submission:

Labcorp Genetics (formerly Invitae), Labcorp
Classification: Uncertain significance for Deficiency of acetyl-CoA acetyltransferase. Last evaluated: 2022-05-17. Review status: criteria provided, single submitter. Criteria: Invitae Variant Classification Sherloc (09022015). Collection method: clinical testing. Allele origin: germline.
Comment: This sequence change replaces isoleucine, which is neutral and non-polar, with valine, which is neutral and non-polar, at codon 26 of the ACAT1 protein (p.Ile26Val). This variant is present in population databases (no rsID available, gnomAD 0.003%). This variant has not been reported in the literature in individuals affected with ACAT1-related conditions. Advanced modeling of protein sequence and biophysical properties (such as structural, functional, and spatial information, amino acid conservation, physicochemical variation, residue mobility, and thermodynamic stability) performed at Invitae indicates that this missense variant is not expected to disrupt ACAT1 protein function. Algorithms developed to predict the effect of sequence changes on RNA splicing suggest that this variant may create or strengthen a splice site. In summary, the available evidence is currently insufficient to determine the role of this variant in disease. Therefore, it has been classified as a Variant of Uncertain Significance.

NM_000019.4(ACAT1):c.76A>G (p.Ile26Val)

Gene: ACAT1 (acetyl-CoA acetyltransferase 1; plus strand). Cytogenetic location: 11q22.3.
Variant type: single nucleotide variant.
Coding change: c.76A>G on transcript NM_000019.4 (MANE Select); coding-DNA position 76, A replaced by G.
Protein change: p.Ile26Val; replaces isoleucine 26 with valine.
Molecular consequence: missense variant. On other transcripts: 5 prime UTR variant (10), non-coding transcript variant (2).
Genome position (GRCh38, 1-based): chr11:108,131,910, A>G. VCF-style: chr11-108131910-A-G. GRCh37 (hg19) VCF-style: chr11-108002637-A-G.
Other names: c.76A>G, p.Ile26Val (NM_001386677.1, NM_001386678.1); c.-202A>G (NM_001386679.1); c.-195A>G (NM_001386681.1, NM_001386682.1, NM_001386685.1 and 6 more transcripts); short protein forms I26V.
Identifiers: ClinVar variation 2049870 (VCV002049870.1), dbSNP rs1352801361, ClinGen allele CA382506096.